The following is an entry in ClinVar:

ClinVar aggregate classification (germline): Likely benign. Review status: criteria provided, multiple submitters, no conflicts (2 of 4 stars). 2 submissions from 2 submitters: Likely benign (2). Last evaluated 2026-08-13.

Conditions:
Autosomal recessive limb-girdle muscular dystrophy type 2J (LGMDR10). Also called: Limb-girdle muscular dystrophy, type 2J; MUSCULAR DYSTROPHY, LIMB-GIRDLE, AUTOSOMAL RECESSIVE 10. Identifiers: Orphanet 140922, MedGen C1837342, MONDO:0012127, OMIM 608807.
Dilated cardiomyopathy 1G (CMD1G). Identifiers: Orphanet 154, MedGen C1858763, MONDO:0011400, OMIM 604145.
TTN-related disorder. Also called: TTN-related disorders; TTN-related condition; TTN-related disease.

Allele frequency attached by ClinVar (database versions not stated): gnomAD exomes below 0.00001 and 0.00001; ExAC 0.00001; TOPMed 0.00005; gnomAD 0.00007 and 0.00008; ESP Exome Variant Server 0.00017.
gnomAD v4.1: 15 of 1,613,076 alleles (0.00093%); highest among the groups gnomAD compares: African/African-American, 0.019%; no homozygotes.

Submissions (2):

PreventionGenetics, part of Exact Sciences
Classification: Likely benign for TTN-related condition. Last evaluated: 2026-08-13. Review status: criteria provided, single submitter. Criteria: ACMG Guidelines, 2015. Collection method: clinical testing. Allele origin: germline.
Comment: This variant is classified as likely benign based on ACMG/AMP sequence variant interpretation guidelines (Richards et al. 2015 PMID: 25741868, with internal and published modifications).

Labcorp Genetics (formerly Invitae), Labcorp
Classification: Likely benign for Dilated cardiomyopathy 1G; Autosomal recessive limb-girdle muscular dystrophy type 2J. Last evaluated: 2025-08-30. Review status: criteria provided, single submitter. Criteria: Invitae Variant Classification Sherloc (09022015). Collection method: clinical testing. Allele origin: germline.

NM_001267550.2(TTN):c.39463+9C>T

Gene: TTN (titin; minus strand). Cytogenetic location: 2q31.2.
Variant type: single nucleotide variant.
Coding change: c.39463+9C>T on transcript NM_001267550.2 (MANE Select); 9 bases into the intron after coding-DNA position 39463, C replaced by T.
Molecular consequence: intron variant.
Genome position (GRCh38, 1-based): chr2:178,651,657, G>A on the plus strand (C>T on the coding strand, the complement: TTN is on the minus strand). VCF-style: chr2-178651657-G-A. GRCh37 (hg19) VCF-style: chr2-179516384-G-A.
Other names: c.13283-9340C>T (NM_003319.4); c.13859-9340C>T (NM_133437.4); c.13658-9340C>T (NM_133432.3); c.32161+9C>T (NM_133378.4); c.34942+9C>T (NM_001256850.1).
Identifiers: ClinVar variation 793902 (VCV000793902.12), dbSNP rs373482203, ClinGen allele CA1996719.